The following is an entry in ClinVar:

NM_052844.4(DYNC2I2):c.1531C>T (p.Gln511Ter)

Gene: DYNC2I2 (dynein 2 intermediate chain 2; minus strand). Cytogenetic location: 9q34.11.
Variant type: single nucleotide variant.
Coding change: c.1531C>T on transcript NM_052844.4 (MANE Select); coding-DNA position 1531, C replaced by T.
Protein change: p.Gln511Ter; replaces glutamine 511 with a stop codon.
Molecular consequence: nonsense.
Genome position (GRCh38, 1-based): chr9:128,633,824, G>A on the plus strand (C>T on the coding strand, the complement: DYNC2I2 is on the minus strand). VCF-style: chr9-128633824-G-A. GRCh37 (hg19) VCF-style: chr9-131396103-G-A.
Other names: short protein forms Q511*.
Identifiers: ClinVar variation 2806411 (VCV002806411.3), dbSNP rs1376492472, ClinGen allele CA375106245.

ClinVar aggregate classification (germline): Pathogenic (1 of 4 stars; one submission).

Conditions:
Short-rib thoracic dysplasia 11 with or without polydactyly (SRTD11). Also called: SHORT-RIB THORACIC DYSPLASIA 11 WITHOUT POLYDACTYLY. Identifiers: Orphanet 474, Orphanet 93271, MedGen C3810200, MONDO:0014287, OMIM 615633.

Allele frequency attached by ClinVar (database versions not stated): gnomAD exomes below 0.00001; TOPMed below 0.00001.
gnomAD v4.1: 1 of 1,613,628 alleles (0.000062%); highest among the groups gnomAD compares: Non-Finnish European, 0.000085%; no homozygotes.

Submission:

Labcorp Genetics (formerly Invitae), Labcorp
Classification: Pathogenic for Short-rib thoracic dysplasia 11 with or without polydactyly. Last evaluated: 2022-12-07. Review status: criteria provided, single submitter. Criteria: Invitae Variant Classification Sherloc (09022015). Collection method: clinical testing. Allele origin: germline.
Comment: For these reasons, this variant has been classified as Pathogenic. This variant disrupts a region of the WDR34 protein in which other variant(s) (p.Thr514Argfs*11) have been determined to be pathogenic (PMID: 24183451). This suggests that this is a clinically significant region of the protein, and that variants that disrupt it are likely to be disease-causing. This variant has not been reported in the literature in individuals affected with WDR34-related conditions. This variant is not present in population databases (gnomAD no frequency). This sequence change creates a premature translational stop signal (p.Gln511*) in the WDR34 gene. While this is not anticipated to result in nonsense mediated decay, it is expected to disrupt the last 26 amino acid(s) of the WDR34 protein.

Literature cited by the submitters: PubMed 24183451.